The following is an entry in ClinVar:

ClinVar aggregate classification (germline): Uncertain significance. Review status: criteria provided, multiple submitters, no conflicts (2 of 4 stars). 2 submissions from 2 submitters: Uncertain significance (2). Last evaluated 2025-03-20.

Allele frequency attached by ClinVar (database versions not stated): TOPMed 0.00002; gnomAD 0.00003.
gnomAD v4.1: 51 of 1,535,958 alleles (0.0033%); highest among the groups gnomAD compares: Non-Finnish European, 0.0043%; no homozygotes.

Submissions (2):

Ambry Genetics
Classification: Uncertain significance. Last evaluated: 2025-03-20. Review status: criteria provided, single submitter. Criteria: Ambry Variant Classification Scheme 2023. Collection method: clinical testing. Allele origin: germline.

Labcorp Genetics (formerly Invitae), Labcorp
Classification: Uncertain significance. Last evaluated: 2025-01-13. Review status: criteria provided, single submitter. Criteria: Invitae Variant Classification Sherloc (09022015). Collection method: clinical testing. Allele origin: germline.
Comment: This sequence change replaces proline, which is neutral and non-polar, with threonine, which is neutral and polar, at codon 52 of the GCGR protein (p.Pro52Thr). This variant is present in population databases (no rsID available, gnomAD 0.002%). This variant has not been reported in the literature in individuals affected with GCGR-related conditions. ClinVar contains an entry for this variant (Variation ID: 2727191). An algorithm developed to predict the effect of missense changes on protein structure and function outputs the following: PolyPhen-2: "Benign". The threonine amino acid residue is found in multiple mammalian species, which suggests that this missense change does not adversely affect protein function. In summary, the available evidence is currently insufficient to determine the role of this variant in disease. Therefore, it has been classified as a Variant of Uncertain Significance.

NM_000160.5(GCGR):c.154C>A (p.Pro52Thr)

Gene: GCGR (glucagon receptor; plus strand). Cytogenetic location: 17q25.3.
Variant type: single nucleotide variant.
Coding change: c.154C>A on transcript NM_000160.5 (MANE Select); coding-DNA position 154, C replaced by A.
Protein change: p.Pro52Thr; replaces proline 52 with threonine.
Molecular consequence: missense variant.
Genome position (GRCh38, 1-based): chr17:81,809,875, C>A. VCF-style: chr17-81809875-C-A. GRCh37 (hg19) VCF-style: chr17-79767751-C-A.
Other names: c.154C>A (NM_000160.3); short protein forms P52T.
Identifiers: ClinVar variation 2727191 (VCV002727191.4), dbSNP rs1331669976, ClinGen allele CA401491548.